The following is an entry in ClinVar:

NM_005228.5(EGFR):c.2188C>G (p.Leu730Val)

Gene: EGFR (epidermal growth factor receptor; plus strand). Cytogenetic location: 7p11.2.
Variant type: single nucleotide variant.
Coding change: c.2188C>G on transcript NM_005228.5 (MANE Select); coding-DNA position 2188, C replaced by G.
Protein change: p.Leu730Val; replaces leucine 730 with valine.
Molecular consequence: missense variant.
Genome position (GRCh38, 1-based): chr7:55,174,725, C>G. VCF-style: chr7-55174725-C-G. GRCh37 (hg19) VCF-style: chr7-55242418-C-G.
Other names: c.2053C>G, p.Leu685Val (NM_001346897.2, NM_001346899.2); c.2188C>G, p.Leu730Val (NM_001346898.2); c.2029C>G, p.Leu677Val (NM_001346900.2); c.1387C>G, p.Leu463Val (NM_001346941.2); short protein forms L730V, L685V, L677V, L463V.
Identifiers: ClinVar variation 126518 (VCV000126518.3), dbSNP rs121913434, ClinGen allele CA151172.

ClinVar aggregate classification (germline): drug response (0 of 4 stars; one submission).

Conditions:
Squamous cell carcinoma of the head and neck (HNSCC). Also called: Squamous cell carcinoma, head and neck, somatic; Head and neck squamous cell carcinoma. Identifiers: Orphanet 67037, MedGen C1168401, MeSH D000077195, MONDO:0010150, OMIM 275355, HP:0020357.

Submission:

Genetics, Bhagwan Mahavir Medical Research Centre
Classification: drug response for Squamous cell carcinoma of the head and neck. Review status: no assertion criteria provided. Collection method: not provided. Allele origin: unknown.
ClinVar note: Converted during submission from drug-response to drug response.